The following is an entry in ClinVar:

NM_000260.4(MYO7A):c.6051+263G>A

Gene: MYO7A (myosin VIIA; plus strand). Cytogenetic location: 11q13.5.
Variant type: single nucleotide variant.
Coding change: c.6051+263G>A on transcript NM_000260.4 (MANE Select); 263 bases into the intron after coding-DNA position 6051, G replaced by A.
Molecular consequence: intron variant.
Genome position (GRCh38, 1-based): chr11:77,209,066, G>A. VCF-style: chr11-77209066-G-A. GRCh37 (hg19) VCF-style: chr11-76920111-G-A.
Other names: c.5904+263G>A (NM_001369365.1); c.5937+263G>A (NM_001127180.2).
Identifiers: ClinVar variation 680671 (VCV000680671.2), dbSNP rs885440, ClinGen allele CA13389092.

ClinVar aggregate classification (germline): Benign. Review status: criteria provided, multiple submitters, no conflicts (2 of 4 stars). 2 submissions from 2 submitters: Benign (2). Last evaluated 2018-06-14.

Allele frequency attached by ClinVar (database versions not stated): 1000 Genomes Project 0.51218; 1000 Genomes Project 30x 0.51437; gnomAD 0.56033 and 0.56698; TOPMed 0.56144; gnomAD exomes 0.56855.
gnomAD v4.1: 277,892 of 490,852 alleles (57%); highest among the groups gnomAD compares: Admixed American, 65%; 78,890 homozygotes.

Submissions (2):

GeneDx
Classification: Benign. Last evaluated: 2018-06-14. Review status: criteria provided, single submitter. Criteria: GeneDx Variant Classification (06012015). Collection method: clinical testing. Allele origin: germline. Affected: yes.
Comment: This variant is considered likely benign or benign based on one or more of the following criteria: it is a conservative change, it occurs at a poorly conserved position in the protein, it is predicted to be benign by multiple in silico algorithms, and/or has population frequency not consistent with disease.

Breakthrough Genomics
Classification: Benign. Review status: criteria provided, single submitter. Criteria: ACMG Guidelines, 2015. Collection method: not provided. Allele origin: germline. Inheritance: Autosomal recessive inheritance. Affected: yes.